The following is an entry in ClinVar:

ClinVar aggregate classification (germline): Pathogenic/Likely pathogenic. Review status: criteria provided, multiple submitters, no conflicts (2 of 4 stars). 4 submissions from 4 submitters: Pathogenic (3); Likely pathogenic (1). Last evaluated 2025-09-22.

Conditions:
Epidermolysis bullosa dystrophica. Also called: Dystrophic epidermolysis bullosa, Hallopeau-Siemens type (formerly); Dystrophic epidermolysis bullosa. Identifiers: Orphanet 303, MedGen C0079294, MONDO:0006543.
Recessive dystrophic epidermolysis bullosa (RDEB). Also called: Hallopeau-Siemens Disease; Epidermolysis Bullosa Distrophica Autosomal Recessive (RDEB); DYSTROPHIC EPIDERMOLYSIS BULLOSA, AUTOSOMAL RECESSIVE; EPIDERMOLYSIS BULLOSA DYSTROPHICA, HALLOPEAU-SIEMENS TYPE; epidermolysis bullosa dystrophica, autosomal recessive; Recessive DEB (RDEB). Identifiers: Orphanet 79408, Orphanet 79409, MedGen C0079474, MONDO:0009179, OMIM 226600.

Allele frequency attached by ClinVar (database versions not stated): TOPMed 0.00006; ExAC 0.00001.
gnomAD v4.1: 11 of 1,613,896 alleles (0.00068%); highest among the groups gnomAD compares: South Asian, 0.0088%; 1 homozygote.

Submissions (4):

Natera, Inc.
Classification: Pathogenic for Dystrophic epidermolysis bullosa. Last evaluated: 2025-09-22. Review status: criteria provided, single submitter. Criteria: Natera Variant Classification Schema (03/2026). Collection method: clinical testing. Allele origin: germline.
Comment: The c.4039G>T variant in COL7A1 is a missense variant predicted to cause substitution of glycine to tryptophan at amino acid 1347. This variant is rare in the general population with a frequency below the threshold expected for the associated phenotype(s). This variant has been observed in one or more individuals affected with the associated recessive disease, as either homozygous or compound heterozygous with a second variant (PMID: 26707537, 18565177, 21113014, 16484981). A different variant at the same position has been determined to be Pathogenic or Likely Pathogenic. Computational prediction algorithms indicate this variant is likely to affect gene or protein function. Given the available evidence, this variant is classified as Pathogenic.

Women's Health and Genetics/Laboratory Corporation of America, LabCorp
Classification: Likely pathogenic for Dystrophic Epidermolysis Bullosa, Recessive. Last evaluated: 2024-09-09. Review status: criteria provided, single submitter. Criteria: LabCorp Variant Classification Summary - May 2015. Collection method: clinical testing. Allele origin: germline.
Comment: Variant summary: COL7A1 c.4039G>T (p.Gly1347Trp) results in a non-conservative amino acid change in the encoded protein sequence. Five of five in-silico tools predict a damaging effect of the variant on protein function. The variant allele was found at a frequency of 4e-06 in 251024 control chromosomes. c.4039G>T has been reported in the literature in individuals affected with Dystrophic Epidermolysis Bullosa, Recessive (Kern_2006, Schumann_2008, vandenAkker_2011, Kopeckova_2016). These data indicate that the variant is likely to be associated with disease. To our knowledge, no experimental evidence demonstrating an impact on protein function has been reported. The following publications have been ascertained in the context of this evaluation (PMID: 16484981, 18565177, 21113014, 34826142, 21382783, 26707537). ClinVar contains an entry for this variant (Variation ID: 937822). Based on the evidence outlined above, the variant was classified as likely pathogenic.

Labcorp Genetics (formerly Invitae), Labcorp
Classification: Pathogenic. Last evaluated: 2024-02-17. Review status: criteria provided, single submitter. Criteria: Invitae Variant Classification Sherloc (09022015). Collection method: clinical testing. Allele origin: germline.
Comment: This sequence change replaces glycine, which is neutral and non-polar, with tryptophan, which is neutral and slightly polar, at codon 1347 of the COL7A1 protein (p.Gly1347Trp). This variant is present in population databases (rs121912833, gnomAD 0.007%). This missense change has been observed in individuals with autosomal recessive dystrophic epidermolysis bullosa (PMID: 16484981, 18565177, 21113014). ClinVar contains an entry for this variant (Variation ID: 937822). Advanced modeling of protein sequence and biophysical properties (such as structural, functional, and spatial information, amino acid conservation, physicochemical variation, residue mobility, and thermodynamic stability) performed at Invitae indicates that this missense variant is expected to disrupt COL7A1 protein function with a positive predictive value of 95%. This variant disrupts the triple helix domain of COL7A1. Glycine residues within the Gly-Xaa-Yaa repeats of the triple helix domain are required for the structure and stability of fibrillar collagens (PMID: 7695699, 8218237, 19344236), and variants at these glycine residues in COL7A1 are more frequently observed in individuals with disease than in the general population (PMID: 22058051). However, the clinical significance of this observation remains uncertain since only a limited number of affected individuals have been described to date. For these reasons, this variant has been classified as Pathogenic.

Molecular Genetics, Royal Melbourne Hospital
Classification: Pathogenic for Recessive dystrophic epidermolysis bullosa. Last evaluated: 2023-03-30. Review status: criteria provided, single submitter. Criteria: ACMG Guidelines, 2015. Collection method: clinical testing. Allele origin: germline. Affected: yes.
Comment: This sequence change is predicted to replace glycine with tryptophan at codon 1347 of the COL7A1 protein (p.(Gly1347Trp)). The glycine residue is evolutionarily conserved (invariant in 100 vertebrates, UCSC), and is located in a Gly-X-Y repeat in the collagen triple helical region (PM1). There is a large physicochemical difference between glycine and tryptophan. The variant is present in a single individual in a large population cohort (PM2; 1/251,024 alleles in gnomAD v2.1). The variant has been identified with a second pathogenic allele in at least four cases with recessive dystrophic epidermolysis bullosa (PM3_Strong; PMID: 18565177, 21113014, 21382783, 26707537). Multiple lines of computational evidence predict a deleterious effect for the missense substitution (PP3; 6/6 algorithms). A similar pathogenic missense change involving the glycine (p.Gly1347Arg) at this position has been seen before (PM5; ClinVar). Based on the classification scheme RMH ACMG Guidelines v1.2.1, this variant is classified as PATHOGENIC. Following criteria are met: PM3_Strong, PM1, PM2, PM5, PP3.

Literature cited by the submitters: PubMed 26707537 (cited by 3 submitters); PubMed 18565177 (cited by 4 submitters); PubMed 21113014 (cited by 4 submitters); PubMed 16484981 (cited by 3 submitters); PubMed 34826142 (cited by Women's Health and Genetics/Laboratory Corporation of America, LabCorp); PubMed 21382783 (cited by Women's Health and Genetics/Laboratory Corporation of America, LabCorp and Molecular Genetics, Royal Melbourne Hospital); PubMed 7695699 (cited by Labcorp Genetics (formerly Invitae), Labcorp); PubMed 8218237 (cited by Labcorp Genetics (formerly Invitae), Labcorp); PubMed 19344236 (cited by Labcorp Genetics (formerly Invitae), Labcorp); PubMed 22058051 (cited by Labcorp Genetics (formerly Invitae), Labcorp).

NM_000094.4(COL7A1):c.4039G>T (p.Gly1347Trp)

Gene: COL7A1 (collagen type VII alpha 1 chain; minus strand). Cytogenetic location: 3p21.31.
Variant type: single nucleotide variant.
Coding change: c.4039G>T on transcript NM_000094.4 (MANE Select); coding-DNA position 4039, G replaced by T.
Protein change: p.Gly1347Trp; replaces glycine 1347 with tryptophan.
Molecular consequence: missense variant.
Genome position (GRCh38, 1-based): chr3:48,584,742, C>A on the plus strand (G>T on the coding strand, the complement: COL7A1 is on the minus strand). VCF-style: chr3-48584742-C-A. GRCh37 (hg19) VCF-style: chr3-48622175-C-A.
Other names: short protein forms G1347W.
Identifiers: ClinVar variation 937822 (VCV000937822.10), dbSNP rs121912833, ClinGen allele CA2380261.